The following is an entry in ClinVar:

ClinVar aggregate classification (germline): Uncertain significance (1 of 4 stars; one submission).

Submission:

Labcorp Genetics (formerly Invitae), Labcorp
Classification: Uncertain significance. Last evaluated: 2025-10-16. Review status: criteria provided, single submitter. Criteria: Invitae Variant Classification Sherloc (09022015). Collection method: clinical testing. Allele origin: germline.
Comment: This sequence change falls in intron 6 of the ACO2 gene. It does not directly change the encoded amino acid sequence of the ACO2 protein. It affects a nucleotide within the consensus splice site. This variant is not present in population databases (gnomAD no frequency). This variant has not been reported in the literature in individuals affected with ACO2-related conditions. Variants that disrupt the consensus splice site are a relatively common cause of aberrant splicing (PMID: 17576681, 9536098). Algorithms developed to predict the effect of sequence changes on RNA splicing suggest that this variant is not likely to affect RNA splicing. In summary, the available evidence is currently insufficient to determine the role of this variant in disease. Therefore, it has been classified as a Variant of Uncertain Significance.

Literature cited by the submitters: PubMed 17576681; PubMed 9536098.

NM_001098.3(ACO2):c.836-3C>T

Gene: ACO2 (aconitase 2; plus strand). Cytogenetic location: 22q13.2.
Variant type: single nucleotide variant.
Coding change: c.836-3C>T on transcript NM_001098.3 (MANE Select); 3 bases into the intron before coding-DNA position 836, C replaced by T.
Molecular consequence: intron variant.
Genome position (GRCh38, 1-based): chr22:41,517,524, C>T. VCF-style: chr22-41517524-C-T. GRCh37 (hg19) VCF-style: chr22-41913528-C-T.
Identifiers: ClinVar variation 4765573 (VCV004765573.1).